The following is an entry in ClinVar:

ClinVar aggregate classification (germline): Likely benign (1 of 4 stars; one submission).

Allele frequency attached by ClinVar (database versions not stated): ExAC 0.00002; gnomAD 0.00002 and 0.00003; gnomAD exomes 0.00003 and 0.00014; TOPMed 0.00003; ESP Exome Variant Server 0.00008.
gnomAD v4.1: 206 of 1,613,704 alleles (0.013%); highest among the groups gnomAD compares: Non-Finnish European, 0.017%; no homozygotes.

Submission:

Laboratory for Molecular Medicine, Mass General Brigham Personalized Medicine
Classification: Likely benign. Last evaluated: 2017-02-07. Review status: criteria provided, single submitter. Criteria: LMM Criteria. Collection method: clinical testing. Allele origin: germline. Observed: 1 variant allele.
Comment: c.361+11C>T in intron 03 of TMIE: This variant is not expected to have clinical significance because it is not located within the conserved splice consensus seq uence. It has been identified in 2/66118 European chromosomes by the Exome Aggr egation Consortium (ExAC; dbSNP rs368701214).

NM_147196.3(TMIE):c.361+11C>T

Gene: TMIE (transmembrane inner ear; plus strand). Cytogenetic location: 3p21.31.
Variant type: single nucleotide variant.
Coding change: c.361+11C>T on transcript NM_147196.3 (MANE Select); 11 bases into the intron after coding-DNA position 361, C replaced by T.
Molecular consequence: intron variant.
Genome position (GRCh38, 1-based): chr3:46,709,286, C>T. VCF-style: chr3-46709286-C-T. GRCh37 (hg19) VCF-style: chr3-46750776-C-T.
Other names: c.202+11C>T (NM_001370524.1, NM_001370525.1).
Identifiers: ClinVar variation 504684 (VCV000504684.5), dbSNP rs368701214, ClinGen allele CA2357998.